The following is an entry in ClinVar:

ClinVar aggregate classification (germline): Uncertain significance (1 of 4 stars; one submission).

Conditions:
VPS13B-related disorder. Also called: VPS13B-related condition.

gnomAD v4.1: 2 of 1,614,096 alleles (0.00012%); highest among the groups gnomAD compares: South Asian, 0.0022%; no homozygotes.

Submission:

PreventionGenetics, part of Exact Sciences
Classification: Uncertain significance for VPS13B-related condition. Last evaluated: 2025-07-23. Review status: criteria provided, single submitter. Criteria: ACMG Guidelines, 2015. Collection method: clinical testing. Allele origin: germline.
Comment: The VPS13B c.10819G>T variant is predicted to result in the amino acid substitution p.Val3607Leu. To our knowledge, this variant has not been reported in the literature. This variant is reported in 0.0062% of alleles in individuals of African descent in gnomAD. At this time, the clinical significance of this variant is uncertain due to the absence of conclusive functional and genetic evidence.

NM_152564.5(VPS13B):c.10819G>T (p.Val3607Leu)

Gene: VPS13B (vacuolar protein sorting 13 homolog B; plus strand). Cytogenetic location: 8q22.2.
Variant type: single nucleotide variant.
Coding change: c.10819G>T on transcript NM_152564.5 (MANE Select); coding-DNA position 10819, G replaced by T.
Protein change: p.Val3607Leu; replaces valine 3607 with leucine.
Molecular consequence: missense variant.
Genome position (GRCh38, 1-based): chr8:99,854,208, G>T. VCF-style: chr8-99854208-G-T. GRCh37 (hg19) VCF-style: chr8-100866436-G-T.
Other names: c.10894G>T, p.Val3632Leu (NM_017890.5); short protein forms V3607L, V3632L.
Identifiers: ClinVar variation 4984450 (VCV004984450.1).
Genomic context (GRCh38, chr8:99,854,208, plus strand): 5'-ACTCCTCTCTCCTTCTCGGTGTTTGAAAGAGGACCCATCTTCACCACTGCGAGGCAGCTT[G>T]TGCACGCCCTGGCAATGCACTATGCCGCTGGGGCCCTTTTTAGAGCAGGTAAGAACACAA-3'
Protein context (NP_689777.3, residues 3597-3617): GPIFTTARQL[Val3607Leu]HALAMHYAAG